The following is an entry in ClinVar:

NM_004006.3(DMD):c.3169A>C (p.Ile1057Leu)

Gene: DMD (dystrophin; minus strand). Cytogenetic location: Xp21.1.
Variant type: single nucleotide variant.
Coding change: c.3169A>C on transcript NM_004006.3 (MANE Select); coding-DNA position 3169, A replaced by C.
Protein change: p.Ile1057Leu; replaces isoleucine 1057 with leucine.
Molecular consequence: missense variant.
Genome position (GRCh38, 1-based): chrX:32,464,693, T>G on the plus strand (A>C on the coding strand, the complement: DMD is on the minus strand). VCF-style: chrX-32464693-T-G. GRCh37 (hg19) VCF-style: chrX-32482810-T-G.
Other names: c.3145A>C, p.Ile1049Leu (NM_000109.4); c.3157A>C, p.Ile1053Leu (NM_004009.3); c.2800A>C, p.Ile934Leu (NM_004010.3); short protein forms I1057L, I934L, I1049L, I1053L.
Identifiers: ClinVar variation 3702421 (VCV003702421.3).

ClinVar aggregate classification (germline): Conflicting classifications of pathogenicity. Review status: criteria provided, conflicting classifications (1 of 4 stars). 2 submissions from 2 submitters: Uncertain significance (1); Likely benign (1). Last evaluated 2025-06-15.

Conditions:
Duchenne muscular dystrophy (DMD). Also called: MUSCULAR DYSTROPHY, PSEUDOHYPERTROPHIC PROGRESSIVE, DUCHENNE TYPE; Duchenne Muscular Dystrophy (DMD). Identifiers: Orphanet 98896, MedGen C0013264, MONDO:0010679, OMIM 310200.
Cardiovascular phenotype. Identifiers: MedGen CN230736.

Submissions (2):

Labcorp Genetics (formerly Invitae), Labcorp
Classification: Uncertain significance for Duchenne muscular dystrophy. Last evaluated: 2025-06-15. Review status: criteria provided, single submitter. Criteria: Invitae Variant Classification Sherloc (09022015). Collection method: clinical testing. Allele origin: germline.
Comment: This sequence change replaces isoleucine, which is neutral and non-polar, with leucine, which is neutral and non-polar, at codon 1057 of the DMD protein (p.Ile1057Leu). This variant is not present in population databases (gnomAD no frequency). This variant has not been reported in the literature in individuals affected with DMD-related conditions. ClinVar contains an entry for this variant (Variation ID: 3702421). Invitae Evidence Modeling of protein sequence and biophysical properties (such as structural, functional, and spatial information, amino acid conservation, physicochemical variation, residue mobility, and thermodynamic stability) indicates that this missense variant is not expected to disrupt DMD protein function with a negative predictive value of 95%. In summary, the available evidence is currently insufficient to determine the role of this variant in disease. Therefore, it has been classified as a Variant of Uncertain Significance.

Ambry Genetics
Classification: Likely benign for Cardiovascular phenotype. Last evaluated: 2025-04-23. Review status: criteria provided, single submitter. Criteria: Ambry Variant Classification Scheme 2023. Collection method: clinical testing. Allele origin: germline.